The following is an entry in ClinVar:

NM_000063.6(C2):c.1023G>A (p.Ala341=)

Genes: C2 (complement C2; plus strand), C2-AS1 (C2 antisense RNA 1; minus strand). Cytogenetic location: 6p21.33.
Variant type: single nucleotide variant.
Coding change: c.1023G>A on transcript NM_000063.6 (MANE Select); coding-DNA position 1023, G replaced by A.
Protein change: p.Ala341=; no amino-acid change (alanine 341 retained).
Molecular consequence: synonymous variant.
Genome position (GRCh38, 1-based): chr6:31,937,353, G>A. VCF-style: chr6-31937353-G-A. GRCh37 (hg19) VCF-style: chr6-31905130-G-A.
Other names: p.Ala341=; c.627G>A, p.Ala209= (NM_001145903.3); c.381G>A, p.Ala127= (NM_001178063.3); c.285G>A, p.Ala95= (NM_001282457.2); c.936G>A, p.Ala312= (NM_001282458.2).
Identifiers: ClinVar variation 356245 (VCV000356245.19), dbSNP rs1042663, ClinGen allele CA3727598.

ClinVar aggregate classification (germline): Benign/Likely benign. Review status: criteria provided, multiple submitters, no conflicts (2 of 4 stars). 7 submissions from 6 submitters: Benign (6); Likely benign (1). Last evaluated 2026-02-04.

Conditions:
Age related macular degeneration 14. Also called: MACULAR DEGENERATION, AGE-RELATED, 14, REDUCED RISK OF. Identifiers: MedGen C3809653, MONDO:0014207, OMIM 615489.
Complement component 2 deficiency (C2D). Also called: C2 deficiency. Identifiers: MedGen C0398756, MONDO:0009006, OMIM 217000.

Allele frequency attached by ClinVar (database versions not stated): gnomAD exomes 0.09694 and 0.09736; ExAC 0.09931; 1000 Genomes Project 30x 0.11680; gnomAD 0.11711 and 0.11857; 1000 Genomes Project 0.11741; ESP Exome Variant Server 0.12014; TOPMed 0.12350.
gnomAD v4.1: 160,642 of 1,612,312 alleles (10%); highest among the groups gnomAD compares: African/African-American, 19%; 8,985 homozygotes.

Submissions (7):

Labcorp Genetics (formerly Invitae), Labcorp
Classification: Benign. Last evaluated: 2026-02-04. Review status: criteria provided, single submitter. Criteria: Invitae Variant Classification Sherloc (09022015). Collection method: clinical testing. Allele origin: germline.

Women's Health and Genetics/Laboratory Corporation of America, LabCorp
Classification: Benign. Last evaluated: 2026-01-21. Review status: criteria provided, single submitter. Criteria: LabCorp Variant Classification Summary - May 2015. Collection method: clinical testing. Allele origin: germline.

Blueprint Genetics
Classification: Likely benign. Last evaluated: 2024-11-27. Review status: criteria provided, single submitter. Criteria: ACMG Guidelines, 2015. Collection method: clinical testing. Allele origin: germline.

Mayo Clinic Laboratories, Mayo Clinic
Classification: Benign. Last evaluated: 2022-09-06. Review status: criteria provided, single submitter. Criteria: ACMG Guidelines, 2015. Collection method: clinical testing. Allele origin: germline. Observed: 82 variant alleles.

Illumina Laboratory Services, Illumina
Classification: Benign for Age related macular degeneration 14. Last evaluated: 2018-01-13. Review status: criteria provided, single submitter. Criteria: ICSL Variant Classification Criteria 13 December 2019. Collection method: clinical testing. Allele origin: germline.
Comment: This variant was observed in the ICSL laboratory as part of a predisposition screen in an ostensibly healthy population. It had not been previously curated by ICSL or reported in the Human Gene Mutation Database (HGMD: prior to June 1st, 2018), and was therefore a candidate for classification through an automated scoring system. Utilizing variant allele frequency, disease prevalence and penetrance estimates, and inheritance mode, an automated score was calculated to assess if this variant is too frequent to cause the disease. Based on the score and internal cut-off values, a variant classified as benign is not then subjected to further curation. The score for this variant resulted in a classification of benign for this disease.

Illumina Laboratory Services, Illumina
Classification: Benign for Complement component 2 deficiency. Last evaluated: 2018-01-13. Review status: criteria provided, single submitter. Criteria: ICSL Variant Classification Criteria 13 December 2019. Collection method: clinical testing. Allele origin: germline.
Comment: the same text as in the submission from Illumina Laboratory Services, Illumina above.

Laboratory for Molecular Medicine, Mass General Brigham Personalized Medicine
Classification: Benign. Last evaluated: 2016-03-28. Review status: criteria provided, single submitter. Criteria: LMM Criteria. Collection method: clinical testing. Allele origin: germline.
Comment: Variant identified in a genome or exome case(s) and assessed due to predicted null impact of the variant or pathogenic assertions in the literature or databases. Disclaimer: This variant has not undergone full assessment. The following are preliminary notes: Frequency